The following is an entry in ClinVar:

NM_001378183.1(PIEZO2):c.3202G>C (p.Glu1068Gln)

Gene: PIEZO2 (piezo type mechanosensitive ion channel component 2; minus strand). Cytogenetic location: 18p11.22.
Variant type: single nucleotide variant.
Coding change: c.3202G>C on transcript NM_001378183.1 (MANE Select); coding-DNA position 3202, G replaced by C.
Protein change: p.Glu1068Gln; replaces glutamic acid 1068 with glutamine.
Molecular consequence: missense variant.
Genome position (GRCh38, 1-based): chr18:10,762,547, C>G on the plus strand (G>C on the coding strand, the complement: PIEZO2 is on the minus strand). VCF-style: chr18-10762547-C-G. GRCh37 (hg19) VCF-style: chr18-10762545-C-G.
Other names: c.3202G>C, p.Glu1068Gln (NM_001410871.1); c.3127G>C, p.Glu1043Gln (NM_022068.4); short protein forms E1043Q, E1068Q.
Identifiers: ClinVar variation 4883516 (VCV004883516.2).

ClinVar aggregate classification (germline): Uncertain significance (1 of 4 stars; one submission).

gnomAD v4.1: 6 of 1,537,364 alleles (0.00039%); highest among the groups gnomAD compares: Admixed American, 0.0039%; no homozygotes.

Submission:

Dasa
Classification: Uncertain significance. Last evaluated: 2025-10-10. Review status: criteria provided, single submitter. Criteria: DASA Assertion Criteria. Collection method: clinical testing. Allele origin: germline.
Comment: NM_001378183.1(PIEZO2):c.3202G>C (p.Glu1068Gln) is a missense variant that results in the substitution of glutamic acid with glutamine. This variant is rare in population databases. Computational prediction algorithms are consistent with a benign effect. The currently available literature and clinical evidence are not sufficient to establish a definitive association between this variant and the reported condition. Therefore, this variant is classified as a variant of uncertain significance.